The following is an entry in ClinVar:

ClinVar aggregate classification (germline): Pathogenic (1 of 4 stars; one submission).

Conditions:
Neurofibromatosis, type 1 (NF1). Also called: NEUROFIBROMATOSIS, TYPE I, SOMATIC; Peripheral type neurofibromatosis; Neurofibromatosis, type I; VON RECKLINGHAUSEN DISEASE. Identifiers: Orphanet 636, MedGen C0027831, MONDO:0018975, OMIM 162200. Disease mechanism: loss of function.

Submission:

Labcorp Genetics (formerly Invitae), Labcorp
Classification: Pathogenic for Neurofibromatosis, type 1. Last evaluated: 2024-11-23. Review status: criteria provided, single submitter. Criteria: Invitae Variant Classification Sherloc (09022015). Collection method: clinical testing. Allele origin: germline.
Comment: This sequence change creates a premature translational stop signal (p.Gln347Hisfs*29) in the NF1 gene. It is expected to result in an absent or disrupted protein product. Loss-of-function variants in NF1 are known to be pathogenic (PMID: 10712197, 23913538). This variant is not present in population databases (gnomAD no frequency). This variant has not been reported in the literature in individuals affected with NF1-related conditions. RNA analysis performed to evaluate the impact of this premature translational stop signal on mRNA splicing indicates it does not significantly alter splicing (internal data). For these reasons, this variant has been classified as Pathogenic.

Literature cited by the submitters: PubMed 10712197; PubMed 23913538.

NM_001042492.3(NF1):c.1041del (p.Gln347fs)

Gene: NF1 (neurofibromin 1; plus strand). Cytogenetic location: 17q11.2.
Variant type: Deletion.
Coding change: c.1041del on transcript NM_001042492.3 (MANE Select); coding-DNA position 1041, one base deleted (G; older notation c.1041delG).
Protein change: p.Gln347fs; shifts the reading frame from glutamine 347.
Molecular consequence: frameshift variant.
Genome position (GRCh38, 1-based): chr17:31,200,574, G deleted. VCF-style (leftmost placement, unchanged base first): chr17-31200573-AG-A. GRCh37 (hg19) VCF-style: chr17-29527591-AG-A.
Other names: c.1041delG, p.Gln347Hisfs (NM_000267.4); c.1041del, p.Gln347fs (NM_001128147.3); short protein forms Q347fs.
Identifiers: ClinVar variation 3725886 (VCV003725886.2).